The following is an entry in ClinVar:

ClinVar aggregate classification (germline): Pathogenic (1 of 4 stars; one submission).

Conditions:
Hereditary cancer-predisposing syndrome. Also called: Tumor predisposition; Neoplastic Syndromes, Hereditary; Hereditary Cancer Syndrome; Hereditary neoplastic syndrome. Identifiers: Orphanet 140162, MedGen C0027672, MeSH D009386, MONDO:0015356.

Submission:

Labcorp Genetics (formerly Invitae), Labcorp
Classification: Pathogenic for Hereditary cancer-predisposing syndrome. Last evaluated: 2021-10-18. Review status: criteria provided, single submitter. Criteria: Invitae Variant Classification Sherloc (09022015). Collection method: clinical testing. Allele origin: germline.
Comment: This variant has not been reported in the literature in individuals affected with RAD50-related conditions. For these reasons, this variant has been classified as Pathogenic. This variant is not present in population databases (gnomAD no frequency). This sequence change creates a premature translational stop signal (p.Pro250Hisfs*2) in the RAD50 gene. It is expected to result in an absent or disrupted protein product. Loss-of-function variants in RAD50 are known to be pathogenic (PMID: 19409520).

Literature cited by the submitters: PubMed 19409520.

NM_005732.4(RAD50):c.747del (p.Pro250fs)

Gene: RAD50 (RAD50 double strand break repair protein; plus strand). Cytogenetic location: 5q31.1.
Variant type: Deletion.
Coding change: c.747del on transcript NM_005732.4 (MANE Select); coding-DNA position 747, one base deleted (T; older notation c.747delT).
Protein change: p.Pro250fs; shifts the reading frame from proline 250.
Molecular consequence: frameshift variant.
Genome position (GRCh38, 1-based): chr5:132,580,057, T deleted. VCF-style (leftmost placement, unchanged base first): chr5-132580056-AT-A. GRCh37 (hg19) VCF-style: chr5-131915748-AT-A.
Other names: short protein forms P250fs.
Identifiers: ClinVar variation 1453336 (VCV001453336.6), dbSNP rs2149838065, ClinGen allele CA2573139083.